The following is an entry in ClinVar:

ClinVar aggregate classification (germline): Uncertain significance (1 of 4 stars; one submission).

Conditions:
Baller-Gerold syndrome (BGS). Also called: CRANIOSYNOSTOSIS WITH RADIAL DEFECTS. Identifiers: Orphanet 1225, MedGen C0265308, MONDO:0009039, OMIM 218600.

Allele frequency attached by ClinVar (database versions not stated): gnomAD exomes below 0.00001.
gnomAD v4.1: 2 of 1,482,016 alleles (0.00013%); highest among the groups gnomAD compares: Non-Finnish European, 0.00018%; no homozygotes.

Submission:

Labcorp Genetics (formerly Invitae), Labcorp
Classification: Uncertain significance for Baller-Gerold syndrome. Last evaluated: 2022-07-26. Review status: criteria provided, single submitter. Criteria: Invitae Variant Classification Sherloc (09022015). Collection method: clinical testing. Allele origin: germline.
Comment: This sequence change falls in intron 2 of the RECQL4 gene. It does not directly change the encoded amino acid sequence of the RECQL4 protein. It affects a nucleotide within the consensus splice site. This variant is not present in population databases (gnomAD no frequency). This variant has not been reported in the literature in individuals affected with RECQL4-related conditions. ClinVar contains an entry for this variant (Variation ID: 857782). Variants that disrupt the consensus splice site are a relatively common cause of aberrant splicing (PMID: 17576681, 9536098). Algorithms developed to predict the effect of sequence changes on RNA splicing suggest that this variant may disrupt the consensus splice site. In summary, the available evidence is currently insufficient to determine the role of this variant in disease. Therefore, it has been classified as a Variant of Uncertain Significance.

Literature cited by the submitters: PubMed 17576681; PubMed 9536098.

NM_004260.4(RECQL4):c.118+3G>T

Genes: RECQL4 (RecQ like helicase 4; minus strand), LOC130001411 (ATAC-STARR-seq lymphoblastoid silent region 19699; plus strand). Cytogenetic location: 8q24.3.
Variant type: single nucleotide variant.
Coding change: c.118+3G>T on transcript NM_004260.4 (MANE Select); 3 bases into the intron after coding-DNA position 118, G replaced by T.
Molecular consequence: intron variant.
Genome position (GRCh38, 1-based): chr8:144,517,599, C>A on the plus strand (G>T on the coding strand, the complement: RECQL4 is on the minus strand). VCF-style: chr8-144517599-C-A. GRCh37 (hg19) VCF-style: chr8-145742983-C-A.
Identifiers: ClinVar variation 857782 (VCV000857782.7), dbSNP rs1815398834, ClinGen allele CA916083034.